The following is an entry in ClinVar:

NM_172107.4(KCNQ2):c.1335C>T (p.Ser445=)

Gene: KCNQ2 (potassium voltage-gated channel subfamily Q member 2; minus strand). Cytogenetic location: 20q13.33.
Variant type: single nucleotide variant.
Coding change: c.1335C>T on transcript NM_172107.4 (MANE Select); coding-DNA position 1335, C replaced by T.
Protein change: p.Ser445=; no amino-acid change (serine 445 retained).
Molecular consequence: synonymous variant. On other transcripts: intron variant (1).
Genome position (GRCh38, 1-based): chr20:63,415,093, G>A on the plus strand (C>T on the coding strand, the complement: KCNQ2 is on the minus strand). VCF-style: chr20-63415093-G-A. GRCh37 (hg19) VCF-style: chr20-62046446-G-A.
Other names: c.1251C>T, p.Ser417= (NM_004518.6); c.1281C>T, p.Ser427= (NM_172106.3); c.1248-3C>T (NM_172108.5).
Identifiers: ClinVar variation 511104 (VCV000511104.10), dbSNP rs1316650494, ClinGen allele CA511339595.
Genomic context (GRCh38, chr20:63,415,093, plus strand): 5'-CCGCCTCACAGTCTGGGCCTGCGGGGACCCCTTCCCCTTGGCAGCCACGCCTCGGGGGCT[G>A]GAGAAGACACGATCTTTCAAACTGACCTTCTGGCTGCTCCCACGGGAACCGACAGACAGA-3'
Protein context (NP_742105.1, residues 435-455): QKVSLKDRVF[Ser445=]SPRGVAAKGK

ClinVar aggregate classification (germline): Likely benign. Review status: criteria provided, multiple submitters, no conflicts (2 of 4 stars). 2 submissions from 2 submitters: Likely benign (2). Last evaluated 2023-11-13.

Conditions:
Early-infantile DEE. Also called: Ohtahara syndrome; Early infantile epileptic encephalopathy; Early infantile epileptic encephalopathy with suppression bursts. Identifiers: Orphanet 1934, MedGen C0393706, MONDO:0800491.

Allele frequency attached by ClinVar (database versions not stated): gnomAD exomes below 0.00001; TOPMed 0.00004.

Submissions (2):

Labcorp Genetics (formerly Invitae), Labcorp
Classification: Likely benign for Early-infantile DEE. Last evaluated: 2023-11-13. Review status: criteria provided, single submitter. Criteria: Invitae Variant Classification Sherloc (09022015). Collection method: clinical testing. Allele origin: germline.

GeneDx
Classification: Likely benign. Last evaluated: 2017-08-01. Review status: criteria provided, single submitter. Criteria: GeneDx Variant Classification (06012015). Collection method: clinical testing. Allele origin: germline. Affected: yes.
Comment: This variant is considered likely benign or benign based on one or more of the following criteria: it is a conservative change, it occurs at a poorly conserved position in the protein, it is predicted to be benign by multiple in silico algorithms, and/or has population frequency not consistent with disease.